The following is an entry in ClinVar:

ClinVar aggregate classification (germline): Uncertain significance (1 of 4 stars; one submission).

Conditions:
DLG2-related disorder. Also called: DLG2-related condition.

Submission:

PreventionGenetics, part of Exact Sciences
Classification: Uncertain significance for DLG2-related condition. Last evaluated: 2023-06-07. Review status: criteria provided, single submitter. Criteria: ACMG Guidelines, 2015. Collection method: clinical testing. Allele origin: germline.
Comment: The DLG2 c.1825_1825+3delGGTC variant is predicted to result in a frameshift and premature protein termination (p.Asp609Ilefs*16). This variant overlaps the exon/intron boundary and is predicted to disrupt normal splicing (Alamut Visual Plus v1.6.1). To our knowledge, this variant has not been reported in the literature or in a large population database, indicating this variant is rare. At this time, the clinical significance of this variant is uncertain due to the absence of conclusive functional and genetic evidence.

NM_001142699.3(DLG2):c.1825_1825+3del

Gene: DLG2 (discs large MAGUK scaffold protein 2; minus strand). Cytogenetic location: 11q14.1.
Variant type: Deletion.
Coding change: c.1825_1825+3del on transcript NM_001142699.3 (MANE Select); coding-DNA position 1825 through 3 bases into the intron after coding-DNA position 1825, 4 bases deleted (GGTC; older notation c.1825_1825+3delGGTC).
Molecular consequence: splice donor variant.
Genome position (GRCh38, 1-based): chr11:83,786,687-83,786,690, GACC deleted on the plus strand (GGTC on the coding strand, the reverse complement: DLG2 is on the minus strand). VCF-style (leftmost placement, unchanged base first): chr11-83786686-TGACC-T. GRCh37 (hg19) VCF-style: chr11-83497729-TGACC-T.
Other names: c.1861_1861+3del (NM_001351274.2); c.1858_1858+3del (NM_001351275.2); c.1510_1510+3del (NM_001300983.1, NM_001377968.1, NM_001364.3); c.1567_1567+3del (NM_001351276.2); c.1384_1384+3del (NM_001377973.1); c.1471_1471+3del (NM_001377971.1, NM_001377970.1); c.1627_1627+3del (NM_001377967.1, NM_001377966.1, NM_001206769.2); c.1201_1201+3del (NM_001142700.2); and 2 more.
Identifiers: ClinVar variation 2632368 (VCV002632368.1), dbSNP rs2549028027, ClinGen allele CA2695198941.